The following is an entry in ClinVar:

ClinVar aggregate classification (germline): Uncertain significance (1 of 4 stars; one submission).

Allele frequency attached by ClinVar (database versions not stated): gnomAD exomes below 0.00001; TOPMed below 0.00001.

Submission:

Labcorp Genetics (formerly Invitae), Labcorp
Classification: Uncertain significance. Last evaluated: 2025-09-02. Review status: criteria provided, single submitter. Criteria: Invitae Variant Classification Sherloc (09022015). Collection method: clinical testing. Allele origin: germline.
Comment: This sequence change replaces threonine, which is neutral and polar, with alanine, which is neutral and non-polar, at codon 499 of the CCDC8 protein (p.Thr499Ala). This variant is present in population databases (no rsID available, gnomAD 0.0009%). This variant has not been reported in the literature in individuals affected with CCDC8-related conditions. ClinVar contains an entry for this variant (Variation ID: 1514083). An algorithm developed to predict the effect of missense changes on protein structure and function outputs the following: PolyPhen-2: "Benign". The alanine amino acid residue is found in multiple mammalian species, which suggests that this missense change does not adversely affect protein function. In summary, the available evidence is currently insufficient to determine the role of this variant in disease. Therefore, it has been classified as a Variant of Uncertain Significance.

NM_032040.5(CCDC8):c.1495A>G (p.Thr499Ala)

Gene: CCDC8 (coiled-coil domain containing 8 subunit of 3M complex; minus strand). Cytogenetic location: 19q13.32.
Variant type: single nucleotide variant.
Coding change: c.1495A>G on transcript NM_032040.5 (MANE Select); coding-DNA position 1495, A replaced by G.
Protein change: p.Thr499Ala; replaces threonine 499 with alanine.
Molecular consequence: missense variant.
Genome position (GRCh38, 1-based): chr19:46,411,316, T>C on the plus strand (A>G on the coding strand, the complement: CCDC8 is on the minus strand). VCF-style: chr19-46411316-T-C. GRCh37 (hg19) VCF-style: chr19-46914573-T-C.
Other names: short protein forms T499A.
Identifiers: ClinVar variation 1514083 (VCV001514083.6), dbSNP rs1175612907, ClinGen allele CA406458830.